The following is an entry in ClinVar:

NM_000310.4(PPT1):c.536+6T>G

Gene: PPT1 (palmitoyl-protein thioesterase 1; minus strand). Cytogenetic location: 1p34.2.
Variant type: single nucleotide variant.
Coding change: c.536+6T>G on transcript NM_000310.4 (MANE Select); 6 bases into the intron after coding-DNA position 536, T replaced by G.
Molecular consequence: intron variant.
Genome position (GRCh38, 1-based): chr1:40,089,404, A>C on the plus strand (T>G on the coding strand, the complement: PPT1 is on the minus strand). VCF-style: chr1-40089404-A-C. GRCh37 (hg19) VCF-style: chr1-40555076-A-C.
Other names: c.227+6T>G (NM_001142604.2); c.536+6T>G (NM_001363695.2).
Identifiers: ClinVar variation 3034149 (VCV003034149.2), dbSNP rs2523674845, ClinGen allele CA2574329707.

ClinVar aggregate classification (germline): Likely benign (0 of 4 stars; one submission).

Conditions:
PPT1-related disorder. Also called: PPT1-related condition.

Submission:

PreventionGenetics, part of Exact Sciences
Classification: Likely benign for PPT1-related condition. Last evaluated: 2020-01-17. Review status: no assertion criteria provided. Collection method: clinical testing. Allele origin: germline.
Comment: This variant is classified as likely benign based on ACMG/AMP sequence variant interpretation guidelines (Richards et al. 2015 PMID: 25741868, with internal and published modifications).